The following is an entry in ClinVar:

NM_017654.4(SAMD9):c.4631G>C (p.Gly1544Ala)

Gene: SAMD9 (sterile alpha motif domain containing 9; minus strand). Cytogenetic location: 7q21.2.
Variant type: single nucleotide variant.
Coding change: c.4631G>C on transcript NM_017654.4 (MANE Select); coding-DNA position 4631, G replaced by C.
Protein change: p.Gly1544Ala; replaces glycine 1544 with alanine.
Molecular consequence: missense variant.
Genome position (GRCh38, 1-based): chr7:93,101,467, C>G on the plus strand (G>C on the coding strand, the complement: SAMD9 is on the minus strand). VCF-style: chr7-93101467-C-G. GRCh37 (hg19) VCF-style: chr7-92730780-C-G.
Other names: c.4631G>C, p.Gly1544Ala (NM_001193307.2); short protein forms G1544A.
Identifiers: ClinVar variation 2134283 (VCV002134283.4), dbSNP rs1246626623, ClinGen allele CA368176949.

ClinVar aggregate classification (germline): Uncertain significance (1 of 4 stars; one submission).

Submission:

Labcorp Genetics (formerly Invitae), Labcorp
Classification: Uncertain significance. Last evaluated: 2022-08-12. Review status: criteria provided, single submitter. Criteria: Invitae Variant Classification Sherloc (09022015). Collection method: clinical testing. Allele origin: germline.
Comment: Algorithms developed to predict the effect of missense changes on protein structure and function are either unavailable or do not agree on the potential impact of this missense change (SIFT: "Deleterious"; PolyPhen-2: "Probably Damaging"; Align-GVGD: "Class C0"). This sequence change replaces glycine, which is neutral and non-polar, with alanine, which is neutral and non-polar, at codon 1544 of the SAMD9 protein (p.Gly1544Ala). This variant is not present in population databases (gnomAD no frequency). This variant has not been reported in the literature in individuals affected with SAMD9-related conditions. In summary, the available evidence is currently insufficient to determine the role of this variant in disease. Therefore, it has been classified as a Variant of Uncertain Significance.